The following is an entry in ClinVar:

ClinVar aggregate classification (germline): Pathogenic (1 of 4 stars; one submission).

Conditions:
Hereditary factor VIII deficiency disease (HEMA). Also called: AUTOSOMAL HEMOPHILIA A; Hemophilia A, congenital; HEM A; Factor 8 deficiency, congenital; HEMOPHILIA, CLASSIC; Hemophilia A. Identifiers: Orphanet 98878, MedGen C0019069, MONDO:0010602, OMIM 306700.

Submission:

ARUP Laboratories, Molecular Genetics and Genomics, ARUP Laboratories
Classification: Pathogenic for Hereditary factor VIII deficiency disease. Last evaluated: 2019-10-10. Review status: criteria provided, single submitter. Criteria: ARUP Molecular Germline Variant Investigation Process. Collection method: clinical testing. Allele origin: germline.
Comment: The F8 c.3964delC; p.Gln1322fs variant, to our knowledge, is not reported in the medical literature or gene specific databases. This variant is also absent from general population databases (Exome Variant Server, Genome Aggregation Database), indicating it is not a common polymorphism. This variant causes a frameshift by deleting a single nucleotide, so it is predicted to result in a truncated protein or mRNA subject to nonsense-mediated decay. Based on available information, this variant is considered to be pathogenic.

NM_000132.4(F8):c.3964del (p.Gln1322fs)

Gene: F8 (coagulation factor VIII; minus strand). Cytogenetic location: Xq28.
Variant type: Deletion.
Coding change: c.3964del on transcript NM_000132.4 (MANE Select); coding-DNA position 3964, one base deleted (C; older notation c.3964delC).
Protein change: p.Gln1322fs; shifts the reading frame from glutamine 1322.
Molecular consequence: frameshift variant.
Genome position (GRCh38, 1-based): chrX:154,929,826, G deleted on the plus strand (C on the coding strand, the reverse complement: F8 is on the minus strand); the first of 2 consecutive G bases (chrX:154,929,826-154,929,827); deleting either gives the same sequence. VCF-style (leftmost placement, unchanged base first): chrX-154929825-TG-T. GRCh37 (hg19) VCF-style: chrX-154158100-TG-T.
Other names: short protein forms Q1322fs.
Identifiers: ClinVar variation 993347 (VCV000993347.8), dbSNP rs2073183197, ClinGen allele CA1139667917.